The following is an entry in ClinVar:

NM_001267550.2(TTN):c.85254del (p.Asp28419fs)

Genes: TTN-AS1 (TTN antisense RNA 1; plus strand), TTN (titin; minus strand). Cytogenetic location: 2q31.2.
Variant type: Deletion.
Coding change: c.85254del on transcript NM_001267550.2 (MANE Select); coding-DNA position 85254, one base deleted (A; older notation c.85254delA).
Protein change: p.Asp28419fs; shifts the reading frame from aspartic acid 28419.
Molecular consequence: frameshift variant.
Genome position (GRCh38, 1-based): chr2:178,560,878, T deleted on the plus strand (A on the coding strand, the reverse complement: TTN is on the minus strand); the first of 3 consecutive T bases (chr2:178,560,878-178,560,880); deleting any one gives the same sequence. VCF-style (leftmost placement, unchanged base first): chr2-178560877-CT-C. GRCh37 (hg19) VCF-style: chr2-179425604-CT-C.
Other names: c.80331del, p.Asp26778fs (NM_001256850.1); c.58059del, p.Asp19354fs (NM_003319.4); c.77550del, p.Asp25851fs (NM_133378.4); c.58434del, p.Asp19479fs (NM_133432.3); c.58635del, p.Asp19546fs (NM_133437.4); short protein forms D19354fs, D19546fs, D28419fs, D25851fs, D19479fs, D26778fs.
Identifiers: ClinVar variation 2948926 (VCV002948926.3), dbSNP rs2469674044, ClinGen allele CA2740095903.

ClinVar aggregate classification (germline): Likely pathogenic (1 of 4 stars; one submission).

Conditions:
Dilated cardiomyopathy 1G (CMD1G). Identifiers: Orphanet 154, MedGen C1858763, MONDO:0011400, OMIM 604145.
Autosomal recessive limb-girdle muscular dystrophy type 2J (LGMDR10). Also called: Limb-girdle muscular dystrophy, type 2J; MUSCULAR DYSTROPHY, LIMB-GIRDLE, AUTOSOMAL RECESSIVE 10. Identifiers: Orphanet 140922, MedGen C1837342, MONDO:0012127, OMIM 608807.

Submission:

Labcorp Genetics (formerly Invitae), Labcorp
Classification: Likely pathogenic for Dilated cardiomyopathy 1G; Autosomal recessive limb-girdle muscular dystrophy type 2J. Last evaluated: 2023-06-16. Review status: criteria provided, single submitter. Criteria: Invitae Variant Classification Sherloc (09022015). Collection method: clinical testing. Allele origin: germline.
Comment: This sequence change creates a premature translational stop signal (p.Asp28419Thrfs*3) in the TTN gene. While this is not anticipated to result in nonsense mediated decay, it is expected to disrupt the last 7573 amino acid(s) of the TTN protein. This variant is not present in population databases (gnomAD no frequency). This variant has not been reported in the literature in individuals affected with TTN-related conditions. This variant is located in the A band of TTN (PMID: 25589632). Truncating variants in this region are significantly overrepresented in patients affected with dilated cardiomyopathy (PMID: 25589632). Truncating variants in this region have also been reported in individuals affected with autosomal recessive centronuclear myopathy (PMID: 23975875). In summary, the currently available evidence indicates that the variant is pathogenic, but additional data are needed to prove that conclusively. Therefore, this variant has been classified as Likely Pathogenic.

Literature cited by the submitters: PubMed 25589632; PubMed 23975875.